The following is an entry in ClinVar:

ClinVar aggregate classification (germline): Uncertain significance. Review status: criteria provided, multiple submitters, no conflicts (2 of 4 stars). 4 submissions from 4 submitters: Uncertain significance (3). 1 of the submissions does not count toward it. Last evaluated 2021-01-08.

Conditions:
Marfan syndrome (MFS). Also called: FBN1-Related Marfan Syndrome; Marfan syndrome, classic; MARFAN SYNDROME, TYPE I; Marfan syndrome type 1; Marfan's syndrome. Identifiers: Orphanet 284963, Orphanet 558, MedGen C0024796, MONDO:0007947, OMIM 154700.
Familial thoracic aortic aneurysm and aortic dissection (TAAD). Also called: Thoracic aortic aneurysms and dissections. Identifiers: Orphanet 91387, MedGen C4707243, MONDO:0019625.

Submissions (4):

Labcorp Genetics (formerly Invitae), Labcorp
Classification: Uncertain significance for Marfan syndrome; Familial thoracic aortic aneurysm and aortic dissection. Last evaluated: 2021-01-08. Review status: criteria provided, single submitter. Criteria: Invitae Variant Classification Sherloc (09022015). Collection method: clinical testing. Allele origin: germline.
Comment: In summary, the available evidence is currently insufficient to determine the role of this variant in disease. Therefore, it has been classified as a Variant of Uncertain Significance. Algorithms developed to predict the effect of missense changes on protein structure and function are either unavailable or do not agree on the potential impact of this missense change (SIFT: "Deleterious"; PolyPhen-2: "Probably Damaging"; Align-GVGD: "Class C0"). This variant has been observed in individual(s) with clinical features of FBN1-related disease (PMID: 24793577, Invitae). ClinVar contains an entry for this variant (Variation ID: 42423). This variant is not present in population databases (ExAC no frequency). This sequence change replaces glycine with valine at codon 2395 of the FBN1 protein (p.Gly2395Val). The glycine residue is highly conserved and there is a moderate physicochemical difference between glycine and valine.

Ambry Genetics
Classification: Uncertain significance for Familial thoracic aortic aneurysm and aortic dissection. Last evaluated: 2017-07-06. Review status: criteria provided, single submitter. Criteria: Ambry Variant Classification Scheme 2023. Collection method: clinical testing. Allele origin: germline.
Comment: The p.G2395V variant (also known as c.7184G>T), located in coding exon 57 of the FBN1 gene, results from a G to T substitution at nucleotide position 7184. The glycine at codon 2395 is replaced by valine, an amino acid with dissimilar properties, and is located in the TGFBP #07 domain. This alteration has been reported in an individual with some Marfan-like features; however, clinical details were limited (Lerner-Ellis JP et al. Mol. Genet. Metab., 2014 Jun;112:171-6). This amino acid position is highly conserved in available vertebrate species. In addition, this alteration is predicted to be deleterious by in silico analysis. Since supporting evidence is limited at this time, the clinical significance of this alteration remains unclear.

Laboratory for Molecular Medicine, Mass General Brigham Personalized Medicine
Classification: Uncertain significance. Last evaluated: 2012-08-14. Review status: criteria provided, single submitter. Criteria: LMM Criteria. Collection method: clinical testing. Allele origin: germline. Observed: 1 variant allele.
Comment: Variant classified as Uncertain Significance - Favor Pathogenic. The Gly2395Val variant in FBN1 has not been reported in the literature nor previously identifie d by our laboratory. Computational analyses (biochemical amino acid properties, conservation, AlignGVGD, PolyPhen2, and SIFT) suggest that the Gly2395Val varian t may impact the protein, though this information is not predictive enough to de termine pathogenicity. In summary, additional information is needed to fully ass ess the clinical significance of the Gly2395Val variant.

Center for Medical Genetics Ghent, University of Ghent
Classification: Uncertain significance for Marfan syndrome. Last evaluated: 2017-11-07. Review status: no assertion criteria provided. Collection method: clinical testing. Allele origin: germline. Affected: yes. Not counted in ClinVar's aggregate classification.

Literature cited by the submitters: PubMed 24793577 (cited by Labcorp Genetics (formerly Invitae), Labcorp and Ambry Genetics).

NM_000138.5(FBN1):c.7184G>T (p.Gly2395Val)

Gene: FBN1 (fibrillin 1; minus strand). Cytogenetic location: 15q21.1.
Variant type: single nucleotide variant.
Coding change: c.7184G>T on transcript NM_000138.5 (MANE Select); coding-DNA position 7184, G replaced by T.
Protein change: p.Gly2395Val; replaces glycine 2395 with valine.
Molecular consequence: missense variant.
Genome position (GRCh38, 1-based): chr15:48,427,587, C>A on the plus strand (G>T on the coding strand, the complement: FBN1 is on the minus strand). VCF-style: chr15-48427587-C-A. GRCh37 (hg19) VCF-style: chr15-48719784-C-A.
Other names: short protein forms G2395V.
Identifiers: ClinVar variation 42423 (VCV000042423.16), dbSNP rs397515849, ClinGen allele CA017060.
Genomic context (GRCh38, chr15:48,427,587, plus strand): 5'-TAGATTCCCTGCAAGTATTTTTGGACTATAAATGAAGTACCTGCTCCATTGGTCATGAAT[C>A]CTCGGCCATGGGGACAGAGTTTCTTGAAAGCCACAGTCCCCTGGAAAGGGCAGATCTCAC-3'
Protein context (NP_000129.3, residues 2385-2405): AFKKLCPHGR[Gly2395Val]FMTNGADIDE